The following is an entry in ClinVar:

ClinVar aggregate classification (germline): Pathogenic. Review status: criteria provided, multiple submitters, no conflicts (2 of 4 stars). 6 submissions from 6 submitters: Pathogenic (6). Last evaluated 2025-09-15.

Conditions:
Mitochondrial complex IV deficiency, nuclear type 1 (MC4DN1). Also called: Mitochondrial complex IV deficiency; Complex 4 mitochondrial respiratory chain deficiency; Deficiency of mitochondrial respiratory chain complex4; Complex IV deficiency; COX DEFICIENCY. Identifiers: MedGen C5435656, MONDO:0700250, OMIM 220110. Disease mechanism: loss of function.
Charcot-Marie-Tooth disease type 4K. Also called: CHARCOT-MARIE-TOOTH DISEASE, DEMYELINATING, AUTOSOMAL RECESSIVE, TYPE 4K; CHARCOT-MARIE-TOOTH NEUROPATHY, DEMYELINATING, AUTOSOMAL RECESSIVE, TYPE 4K; CHARCOT-MARIE-TOOTH DISEASE, DEMYELINATING, TYPE 4K. Identifiers: Orphanet 391351, MedGen C4225246, MONDO:0014733, OMIM 616684.
Leigh syndrome (NULS). Also called: Subacute necrotizing encephalopathy; Necrotizing encephalopathy infantile subacute of Leigh; LEIGH SYNDROME, NUCLEAR; Leigh Syndrome (mtDNA deletion); Leigh's syndrome; Leigh's necrotizing encephalopathy. Identifiers: Orphanet 506, MedGen C2931891, MONDO:0009723, OMIM 256000.

Allele frequency attached by ClinVar (database versions not stated): ExAC 0.00003; gnomAD 0.00003 and 0.00004; gnomAD exomes 0.00003 and 0.00005; TOPMed 0.00003.
gnomAD v4.1: 82 of 1,613,810 alleles (0.0051%); highest among the groups gnomAD compares: Non-Finnish European, 0.0068%; no homozygotes.

Submissions (6):

Dasa
Classification: Pathogenic. Last evaluated: 2025-09-15. Review status: criteria provided, single submitter. Criteria: DASA Assertion Criteria. Collection method: clinical testing. Allele origin: germline.
Comment: NM_003172.4(SURF1):c.240+1G>T introduces a premature termination codon predicted to result in loss of normal protein function. Loss-of-function is an established mechanism of disease for this gene. This variant has been observed in affected individuals with related phenotype in a genotype context consistent with recessive disease (PMID: 10443880; PMID: 23829769; PMID: 16542579). This variant has been recurrently observed in individuals with related phenotype (PMID: 10443880; PMID: 23829769; PMID: 16542579). The variant is present at low frequency in population datasets. Based on the available data, this variant is classified as pathogenic.

CeGaT Center for Human Genetics Tuebingen
Classification: Pathogenic. Last evaluated: 2025-06-01. Review status: criteria provided, single submitter. Criteria: CeGaT Center For Human Genetics Tuebingen Variant Classification Criteria Version 2. Collection method: clinical testing. Allele origin: germline. Affected: yes. Observed: 1 variant allele.
Comment: SURF1: PVS1, PM2

Labcorp Genetics (formerly Invitae), Labcorp
Classification: Pathogenic for Leigh syndrome. Last evaluated: 2024-10-16. Review status: criteria provided, single submitter. Criteria: Invitae Variant Classification Sherloc (09022015). Collection method: clinical testing. Allele origin: germline.
Comment: This sequence change affects a donor splice site in intron 3 of the SURF1 gene. It is expected to disrupt RNA splicing. Variants that disrupt the donor or acceptor splice site typically lead to a loss of protein function (PMID: 16199547), and loss-of-function variants in SURF1 are known to be pathogenic (PMID: 10443880, 22488715, 24027061). This variant is present in population databases (rs781948238, gnomAD 0.005%). Disruption of this splice site has been observed in individual(s) with clinical features of SURF1-related conditions (PMID: 10443880, 16542579, 24462369). This variant is also known as 239+1G>T. ClinVar contains an entry for this variant (Variation ID: 379506). Algorithms developed to predict the effect of sequence changes on RNA splicing suggest that this variant may disrupt the consensus splice site. For these reasons, this variant has been classified as Pathogenic.

Fulgent Genetics
Classification: Pathogenic for Mitochondrial complex IV deficiency, nuclear type 1; Charcot-Marie-Tooth disease type 4K. Last evaluated: 2022-02-15. Review status: criteria provided, single submitter. Criteria: ACMG Guidelines, 2015. Collection method: clinical testing. Allele origin: unknown.

Women's Health and Genetics/Laboratory Corporation of America, LabCorp
Classification: Pathogenic for Leigh syndrome. Last evaluated: 2020-09-08. Review status: criteria provided, single submitter. Criteria: LabCorp Variant Classification Summary - May 2015. Collection method: clinical testing. Allele origin: germline.
Comment: Variant summary: SURF1 c.240+1G>T is located in a canonical splice-site and is predicted to affect mRNA splicing resulting in a significantly altered protein due to either exon skipping, shortening, or inclusion of intronic material. Several computational tools predict a significant impact on normal splicing: Four predict the variant abolishes a 5' splicing donor site. The variant allele was found at a frequency of 2.8e-05 in 251288 control chromosomes. c.240+1G>T has been reported in the literature in multiple individuals affected with Leigh Syndrome (example, Tiranti_1999, Wedatilake_2013). These data indicate that the variant is very likely to be associated with disease. To our knowledge, no experimental evidence demonstrating an impact on protein function was ascertained. One clinical diagnostic laboratory has submitted clinical-significance assessments for this variant to ClinVar after 2014 without evidence for independent evaluation and classified the variant as pathogenic. Based on the evidence outlined above, the variant was classified as pathogenic.

GeneDx
Classification: Pathogenic. Last evaluated: 2015-04-16. Review status: criteria provided, single submitter. Criteria: GeneDx Variant Classification (06012015). Collection method: clinical testing. Allele origin: germline. Affected: yes.
Comment: The c.240+1G>T variant in the SURF1 gene has been reported previously in association with Leighsyndrome and is the second most common variant SURF1 mutation found in individuals of Europeanbackground (Wedatilake et al., 2013). This splice site variant destroys the canonical splice donor site inintron 3. It is predicted to cause abnormal gene splicing, either leading to an abnormal message that issubject to nonsense-mediated mRNA decay, or to an abnormal protein product if the message is used forprotein translation. Therefore, we interpret c.240+1G>T as a pathogenic variant.

Literature cited by the submitters: PubMed 10443880 (cited by 3 submitters); PubMed 23829769 (cited by Dasa and Women's Health and Genetics/Laboratory Corporation of America, LabCorp); PubMed 16542579 (cited by Dasa and Labcorp Genetics (formerly Invitae), Labcorp); PubMed 16199547 (cited by Labcorp Genetics (formerly Invitae), Labcorp); PubMed 22488715 (cited by Labcorp Genetics (formerly Invitae), Labcorp); PubMed 24027061 (cited by Labcorp Genetics (formerly Invitae), Labcorp); PubMed 24462369 (cited by Labcorp Genetics (formerly Invitae), Labcorp).

NM_003172.4(SURF1):c.240+1G>T

Gene: SURF1 (SURF1 cytochrome c oxidase assembly factor; minus strand). Cytogenetic location: 9q34.2.
Variant type: single nucleotide variant.
Coding change: c.240+1G>T on transcript NM_003172.4 (MANE Select); the canonical splice donor site of the intron after coding-DNA position 240, G replaced by T.
Molecular consequence: splice donor variant.
Genome position (GRCh38, 1-based): chr9:133,354,823, C>A on the plus strand (G>T on the coding strand, the complement: SURF1 is on the minus strand). VCF-style: chr9-133354823-C-A. GRCh37 (hg19) VCF-style: chr9-136221678-C-A.
Other names: c.-88+1G>T (NM_001280787.1).
Identifiers: ClinVar variation 379506 (VCV000379506.19), dbSNP rs781948238, ClinGen allele CA16605409.